The following is an entry in ClinVar:

NM_001079802.2(FKTN):c.208G>A (p.Val70Ile)

Gene: FKTN (fukutin; plus strand). Cytogenetic location: 9q31.2.
Variant type: single nucleotide variant.
Coding change: c.208G>A on transcript NM_001079802.2 (MANE Select); coding-DNA position 208, G replaced by A.
Protein change: p.Val70Ile; replaces valine 70 with isoleucine.
Molecular consequence: missense variant. On other transcripts: 5 prime UTR variant (4), non-coding transcript variant (2).
Genome position (GRCh38, 1-based): chr9:105,601,187, G>A. VCF-style: chr9-105601187-G-A. GRCh37 (hg19) VCF-style: chr9-108363468-G-A.
Other names: c.208G>A, p.Val70Ile (NM_001198963.2, NM_001351496.2, NM_001351498.2 and 1 more transcripts); c.139G>A, p.Val47Ile (NM_001351497.2); c.-307G>A (NM_001351499.2, NM_001351500.2, NM_001351501.2 and 1 more transcripts); short protein forms V47I, V70I.
Identifiers: ClinVar variation 1055963 (VCV001055963.6), dbSNP rs1827814378, ClinGen allele CA374331484.

ClinVar aggregate classification (germline): Uncertain significance (1 of 4 stars; one submission).

Conditions:
Walker-Warburg congenital muscular dystrophy. Also called: Muscular dystrophy-dystroglycanopathy, type A; Walker-Warburg syndrome. Identifiers: Orphanet 899, MedGen C0265221, MONDO:0000171.

Allele frequency attached by ClinVar (database versions not stated): TOPMed below 0.00001.

Submission:

Labcorp Genetics (formerly Invitae), Labcorp
Classification: Uncertain significance for Walker-Warburg congenital muscular dystrophy. Last evaluated: 2021-08-27. Review status: criteria provided, single submitter. Criteria: Invitae Variant Classification Sherloc (09022015). Collection method: clinical testing. Allele origin: germline.
Comment: This sequence change replaces valine with isoleucine at codon 70 of the FKTN protein (p.Val70Ile). The valine residue is moderately conserved and there is a small physicochemical difference between valine and isoleucine. This variant is not present in population databases (ExAC no frequency). This variant has not been reported in the literature in individuals affected with FKTN-related conditions. Algorithms developed to predict the effect of missense changes on protein structure and function output the following: SIFT: "Tolerated"; PolyPhen-2: "Benign"; Align-GVGD: "Class C0". The isoleucine amino acid residue is found in multiple mammalian species, which suggests that this missense change does not adversely affect protein function. In summary, the available evidence is currently insufficient to determine the role of this variant in disease. Therefore, it has been classified as a Variant of Uncertain Significance.